The following is an entry in ClinVar:

ClinVar aggregate classification (germline): Pathogenic (1 of 4 stars; one submission).

Conditions:
Immunodeficiency, common variable, 1. Also called: ANTIBODY DEFICIENCY DUE TO ICOS DEFECT. Identifiers: Orphanet 1572, Orphanet 695183, MedGen C3149378, MONDO:0011864, OMIM 607594.

Submission:

Labcorp Genetics (formerly Invitae), Labcorp
Classification: Pathogenic for Immunodeficiency, common variable, 1. Last evaluated: 2023-09-01. Review status: criteria provided, single submitter. Criteria: Invitae Variant Classification Sherloc (09022015). Collection method: clinical testing. Allele origin: unknown.
Comment: For these reasons, this variant has been classified as Pathogenic. This variant has not been reported in the literature in individuals affected with ICOS-related conditions. A gross deletion of the genomic region encompassing the full coding sequence of the ICOS gene has been identified. Loss-of-function variants in ICOS are known to be pathogenic (PMID: 11343122, 12577056, 19380800). The boundaries of this event are unknown as they extend beyond the assayed region for this gene and therefore may encompass additional genes.

Literature cited by the submitters: PubMed 11343122; PubMed 12577056; PubMed 19380800.

NC_000002.11:g.(?_204730944)_(204824322_?)del

Genes: CTLA4 (cytotoxic T-lymphocyte associated protein 4; plus strand), ICOS (inducible T cell costimulator; plus strand). Cytogenetic location: 2q33.2.
Variant type: Deletion.
Identifiers: ClinVar variation 3247378 (VCV003247378.1).